The following is an entry in ClinVar:

ClinVar aggregate classification (germline): Uncertain significance (1 of 4 stars; one submission).

Submission:

Labcorp Genetics (formerly Invitae), Labcorp
Classification: Uncertain significance. Last evaluated: 2022-10-13. Review status: criteria provided, single submitter. Criteria: Invitae Variant Classification Sherloc (09022015). Collection method: clinical testing. Allele origin: germline.
Comment: This sequence change replaces proline, which is neutral and non-polar, with arginine, which is basic and polar, at codon 5847 of the ADGRV1 protein (p.Pro5847Arg). This variant is not present in population databases (gnomAD no frequency). This variant has not been reported in the literature in individuals affected with ADGRV1-related conditions. ClinVar contains an entry for this variant (Variation ID: 1057773). Algorithms developed to predict the effect of missense changes on protein structure and function (SIFT, PolyPhen-2, Align-GVGD) all suggest that this variant is likely to be tolerated. In summary, the available evidence is currently insufficient to determine the role of this variant in disease. Therefore, it has been classified as a Variant of Uncertain Significance.

NM_032119.4(ADGRV1):c.17540C>G (p.Pro5847Arg)

Gene: ADGRV1 (adhesion G protein-coupled receptor V1; plus strand). Cytogenetic location: 5q14.3.
Variant type: single nucleotide variant.
Coding change: c.17540C>G on transcript NM_032119.4 (MANE Select); coding-DNA position 17540, C replaced by G.
Protein change: p.Pro5847Arg; replaces proline 5847 with arginine.
Molecular consequence: missense variant. On other transcripts: non-coding transcript variant (1).
Genome position (GRCh38, 1-based): chr5:90,854,147, C>G. VCF-style: chr5-90854147-C-G. GRCh37 (hg19) VCF-style: chr5-90149964-C-G.
Other names: short protein forms P5847R.
Identifiers: ClinVar variation 1057773 (VCV001057773.6), dbSNP rs2150410100, ClinGen allele CA360430609.